The following is an entry in ClinVar:

NM_000238.4(KCNH2):c.2329A>G (p.Thr777Ala)

Gene: KCNH2 (potassium voltage-gated channel subfamily H member 2; minus strand). Cytogenetic location: 7q36.1.
Variant type: single nucleotide variant.
Coding change: c.2329A>G on transcript NM_000238.4 (MANE Select); coding-DNA position 2329, A replaced by G.
Protein change: p.Thr777Ala; replaces threonine 777 with alanine.
Molecular consequence: missense variant. On other transcripts: non-coding transcript variant (2).
Genome position (GRCh38, 1-based): chr7:150,950,237, T>C on the plus strand (A>G on the coding strand, the complement: KCNH2 is on the minus strand). VCF-style: chr7-150950237-T-C. GRCh37 (hg19) VCF-style: chr7-150647325-T-C.
Other names: c.1309A>G, p.Thr437Ala (NM_001204798.2, NM_172057.3); c.2041A>G, p.Thr681Ala (NM_001406753.1, NM_001406756.1); c.2152A>G, p.Thr718Ala (NM_001406755.1); c.2029A>G, p.Thr677Ala (NM_001406757.1); c.2329A>G, p.Thr777Ala (NM_172056.3); short protein forms T718A, T437A, T677A, T681A, T777A.
Identifiers: ClinVar variation 2587218 (VCV002587218.2), dbSNP rs2486025145, ClinGen allele CA369856115.

ClinVar aggregate classification (germline): Uncertain significance (1 of 4 stars; one submission).

Conditions:
Cardiovascular phenotype. Identifiers: MedGen CN230736.

Submission:

Ambry Genetics
Classification: Uncertain significance for Cardiovascular phenotype. Last evaluated: 2023-07-28. Review status: criteria provided, single submitter. Criteria: Ambry Variant Classification Scheme 2023. Collection method: clinical testing. Allele origin: germline.
Comment: The p.T777A variant (also known as c.2329A>G), located in coding exon 9 of the KCNH2 gene, results from an A to G substitution at nucleotide position 2329. The threonine at codon 777 is replaced by alanine, an amino acid with similar properties. This amino acid position is well conserved in available vertebrate species. In addition, this alteration is predicted to be deleterious by in silico analysis. Since supporting evidence is limited at this time, the clinical significance of this alteration remains unclear.